The following is an entry in ClinVar:

ClinVar aggregate classification (germline): Uncertain significance (1 of 4 stars; one submission).

Submission:

GeneDx
Classification: Uncertain significance. Last evaluated: 2020-08-21. Review status: criteria provided, single submitter. Criteria: GeneDx Variant Classification Process June 2021. Collection method: clinical testing. Allele origin: germline. Affected: yes.
Comment: Not observed in large population cohorts (Lek et al., 2016); In silico analysis supports that this missense variant has a deleterious effect on protein structure/function; Has not been previously published as pathogenic or benign to our knowledge

NM_001145358.2(SIN3A):c.1454G>A (p.Arg485His)

Gene: SIN3A (SIN3 transcription regulator family member A; minus strand). Cytogenetic location: 15q24.2.
Variant type: single nucleotide variant.
Coding change: c.1454G>A on transcript NM_001145358.2 (MANE Select); coding-DNA position 1454, G replaced by A.
Protein change: p.Arg485His; replaces arginine 485 with histidine.
Molecular consequence: missense variant.
Genome position (GRCh38, 1-based): chr15:75,401,924, C>T on the plus strand (G>A on the coding strand, the complement: SIN3A is on the minus strand). VCF-style: chr15-75401924-C-T. GRCh37 (hg19) VCF-style: chr15-75694265-C-T.
Other names: c.1454G>A, p.Arg485His (NM_001145357.2, NM_015477.3); short protein forms R485H.
Identifiers: ClinVar variation 1313119 (VCV001313119.2), dbSNP rs2141457942, ClinGen allele CA393499176.